The following is an entry in ClinVar:

ClinVar aggregate classification (germline): Benign. Review status: criteria provided, multiple submitters, no conflicts (2 of 4 stars). 2 submissions from 2 submitters: Benign (2). Last evaluated 2019-05-28.

Conditions:
Leigh syndrome (NULS). Also called: Leigh Syndrome (mtDNA deletion); Leigh's syndrome; Leigh Disease; LEIGH SYNDROME, NUCLEAR; Subacute necrotizing encephalopathy; Necrotizing encephalopathy infantile subacute of Leigh. Identifiers: Orphanet 506, MedGen C2931891, MONDO:0009723, OMIM 256000.

Submissions (2):

Mendelics
Classification: Benign for Leigh syndrome. Last evaluated: 2019-05-28. Review status: criteria provided, single submitter. Criteria: Mendelics Assertion Criteria 2017. Collection method: clinical testing. Allele origin: unknown.

GeneDx
Classification: Benign. Last evaluated: 2018-06-14. Review status: criteria provided, single submitter. Criteria: GeneDx Variant Classification (06012015). Collection method: clinical testing. Allele origin: germline. Affected: yes.
Comment: This variant is considered likely benign or benign based on one or more of the following criteria: it is a conservative change, it occurs at a poorly conserved position in the protein, it is predicted to be benign by multiple in silico algorithms, and/or has population frequency not consistent with disease.

NM_005006.7(NDUFS1):c.154-126TAGA[9]

Gene: NDUFS1 (NADH:ubiquinone oxidoreductase core subunit S1; minus strand). Cytogenetic location: 2q33.3.
Variant type: Microsatellite.
Coding change: c.154-126TAGA[9] on transcript NM_005006.7 (MANE Select); nine copies in a row of the 4-base unit TAGA starting at c.154-126; the reference has seven copies in a row; two copies, 8 bases duplicated.
Molecular consequence: intron variant.
Genome position (GRCh38, 1-based): chr2:206,150,024-206,150,031, TCTATCTA duplicated on the plus strand (TAGATAGA on the coding strand, the reverse complement: NDUFS1 is on the minus strand); duplicating any 8 consecutive bases within chr2:206,150,024-206,150,054 gives the same sequence; the position shown is the placement nearest the transcript's 3' end. VCF-style (leftmost placement, unchanged base first): chr2-206150023-T-TTCTATCTA. GRCh37 (hg19) VCF-style: chr2-207014747-T-TTCTATCTA.
Other names: c.6-2217TAGA[9] (NM_001199982.2); c.-18-126TAGA[9] (NM_001199983.2); c.154-955TAGA[9] (NM_001199981.2); c.196-126TAGA[9] (NM_001199984.2).
Identifiers: ClinVar variation 675863 (VCV000675863.2), dbSNP rs3217140, ClinGen allele CA63670355.